The following is an entry in ClinVar:

NM_031935.3(HMCN1):c.9727+1G>T

Gene: HMCN1 (hemicentin 1; plus strand). Cytogenetic location: 1q31.1.
Variant type: single nucleotide variant.
Coding change: c.9727+1G>T on transcript NM_031935.3 (MANE Select); the canonical splice donor site of the intron after coding-DNA position 9727, G replaced by T.
Molecular consequence: splice donor variant.
Genome position (GRCh38, 1-based): chr1:186,088,756, G>T. VCF-style: chr1-186088756-G-T. GRCh37 (hg19) VCF-style: chr1-186057888-G-T.
Identifiers: ClinVar variation 2106370 (VCV002106370.4), dbSNP rs748852297, ClinGen allele CA1293521.

ClinVar aggregate classification (germline): Uncertain significance (1 of 4 stars; one submission).

Allele frequency attached by ClinVar (database versions not stated): gnomAD exomes below 0.00001; ExAC 0.00001; gnomAD 0.00001.
gnomAD v4.1: 4 of 1,604,496 alleles (0.00025%); highest among the groups gnomAD compares: Admixed American, 0.0051%; no homozygotes.

Submission:

Labcorp Genetics (formerly Invitae), Labcorp
Classification: Uncertain significance. Last evaluated: 2022-03-04. Review status: criteria provided, single submitter. Criteria: Invitae Variant Classification Sherloc (09022015). Collection method: clinical testing. Allele origin: germline.
Comment: In summary, the available evidence is currently insufficient to determine the role of this variant in disease. Therefore, it has been classified as a Variant of Uncertain Significance. This variant has not been reported in the literature in individuals affected with HMCN1-related conditions. The frequency data for this variant in the population databases is considered unreliable, as metrics indicate poor data quality at this position in the gnomAD database. This sequence change affects a donor splice site in intron 63 of the HMCN1 gene. It is expected to disrupt RNA splicing. Variants that disrupt the donor or acceptor splice site typically lead to a loss of protein function (PMID: 16199547), however the current clinical and genetic evidence is not sufficient to establish whether loss-of-function variants in HMCN1 cause disease. Algorithms developed to predict the effect of sequence changes on RNA splicing suggest that this variant may disrupt the consensus splice site.

Literature cited by the submitters: PubMed 16199547.